The following is an entry in ClinVar:

ClinVar aggregate classification (germline): Uncertain significance (1 of 4 stars; one submission).

Conditions:
Primary ciliary dyskinesia 32. Also called: CILIARY DYSKINESIA, PRIMARY, 32, WITHOUT SITUS INVERSUS. Identifiers: Orphanet 244, MedGen C4225311, MONDO:0014657, OMIM 616481.

Submission:

Labcorp Genetics (formerly Invitae), Labcorp
Classification: Uncertain significance for Primary ciliary dyskinesia 32. Last evaluated: 2021-06-18. Review status: criteria provided, single submitter. Criteria: Invitae Variant Classification Sherloc (09022015). Collection method: clinical testing. Allele origin: germline.
Comment: In summary, the available evidence is currently insufficient to determine the role of this variant in disease. Therefore, it has been classified as a Variant of Uncertain Significance. Algorithms developed to predict the effect of missense changes on protein structure and function are either unavailable or do not agree on the potential impact of this missense change (SIFT: "Deleterious"; PolyPhen-2: "Benign"; Align-GVGD: "Class C0"). This variant has not been reported in the literature in individuals with RSPH3-related conditions. This variant is not present in population databases (ExAC no frequency). This sequence change replaces alanine with threonine at codon 16 of the RSPH3 protein (p.Ala16Thr). The alanine residue is weakly conserved and there is a small physicochemical difference between alanine and threonine.

NM_031924.8(RSPH3):c.-381G>A

Genes: RSPH3 (radial spoke head 3; minus strand), TAGAP-AS1 (TAGAP antisense RNA 1; plus strand). Cytogenetic location: 6q25.3.
Variant type: single nucleotide variant.
Coding change: c.-381G>A on transcript NM_031924.8 (MANE Select); 381 bases upstream of the start codon, G replaced by A.
Molecular consequence: 5 prime UTR variant. On other transcripts: missense variant (1), non-coding transcript variant (1).
Genome position (GRCh38, 1-based): chr6:158,999,931, C>T on the plus strand (G>A on the coding strand, the complement: RSPH3 is on the minus strand). VCF-style: chr6-158999931-C-T. GRCh37 (hg19) VCF-style: chr6-159420963-C-T.
Other names: c.46G>A, p.Ala16Thr (NM_001346418.1); short protein forms A16T.
Identifiers: ClinVar variation 1446388 (VCV001446388.8), dbSNP rs1434199814, ClinGen allele CA366286004.